The following is an entry in ClinVar:

NM_005465.7(AKT3):c.1331T>C (p.Ile444Thr)

Gene: AKT3 (AKT serine/threonine kinase 3; minus strand). Cytogenetic location: 1q44.
Variant type: single nucleotide variant.
Coding change: c.1331T>C on transcript NM_005465.7 (MANE Select); coding-DNA position 1331, T replaced by C.
Protein change: p.Ile444Thr; replaces isoleucine 444 with threonine.
Molecular consequence: missense variant.
Genome position (GRCh38, 1-based): chr1:243,512,347, A>G on the plus strand (T>C on the coding strand, the complement: AKT3 is on the minus strand). VCF-style: chr1-243512347-A-G. GRCh37 (hg19) VCF-style: chr1-243675649-A-G.
Other names: c.1331T>C, p.Ile444Thr (NM_001206729.2, NM_001370074.1, NM_181690.2); short protein forms I444T.
Identifiers: ClinVar variation 4282262 (VCV004282262.1).

ClinVar aggregate classification (germline): Uncertain significance (1 of 4 stars; one submission).

Submission:

GeneDx
Classification: Uncertain significance. Last evaluated: 2025-04-18. Review status: criteria provided, single submitter. Criteria: GeneDx Variant Classification Process June 2021. Collection method: clinical testing. Allele origin: germline. Affected: yes.
Comment: Not observed at significant frequency in large population cohorts (gnomAD); In silico analysis supports that this missense variant has a deleterious effect on protein structure/function; Has not been previously published as pathogenic or benign to our knowledge